The following is an entry in ClinVar:

NM_017780.4(CHD7):c.4644+3_4644+6del

Gene: CHD7 (chromodomain helicase DNA binding protein 7; plus strand). Cytogenetic location: 8q12.2.
Variant type: Deletion.
Coding change: c.4644+3_4644+6del on transcript NM_017780.4 (MANE Select); bases 3 to 6 of the intron after coding-DNA position 4644, 4 bases deleted (GAGT; older notation c.4644+3_4644+6delGAGT).
Molecular consequence: splice donor variant. On other transcripts: intron variant (1).
Genome position (GRCh38, 1-based): chr8:60,841,757-60,841,760, GAGT deleted; deleting any 4 consecutive bases within chr8:60,841,755-60,841,760 gives the same sequence; the c. name uses the placement nearest the transcript's 3' end. VCF-style (leftmost placement, unchanged base first): chr8-60841754-GGTGA-G. GRCh37 (hg19) VCF-style: chr8-61754313-GGTGA-G.
Other names: c.1717-20472_1717-20469del (NM_001316690.1).
Identifiers: ClinVar variation 4753766 (VCV004753766.1).

ClinVar aggregate classification (germline): Uncertain significance (1 of 4 stars; one submission).

Conditions:
CHARGE syndrome (CHARGE). Also called: Hittner Hirsch Kreh syndrome; CHARGE ASSOCIATION--COLOBOMA, HEART ANOMALY, CHOANAL ATRESIA, RETARDATION, GENITAL AND EAR ANOMALIES; Coloboma, heart anomaly, choanal atresia, retardation, genital and ear anomalies; CHARGE association; Hall-Hittner syndrome. Identifiers: Orphanet 138, MedGen C0265354, MONDO:0008965.

Submission:

Labcorp Genetics (formerly Invitae), Labcorp
Classification: Uncertain significance for CHARGE syndrome. Last evaluated: 2025-08-11. Review status: criteria provided, single submitter. Criteria: Invitae Variant Classification Sherloc (09022015). Collection method: clinical testing. Allele origin: germline.
Comment: This sequence change falls in intron 20 of the CHD7 gene. It does not directly change the encoded amino acid sequence of the CHD7 protein. It affects a nucleotide within the consensus splice site. This variant is present in population databases (no rsID available, gnomAD 0.003%). This variant has not been reported in the literature in individuals affected with CHD7-related conditions. Variants that disrupt the consensus splice site are a relatively common cause of aberrant splicing (PMID: 17576681, 9536098). Algorithms developed to predict the effect of sequence changes on RNA splicing suggest that this variant is not likely to affect RNA splicing. In summary, the available evidence is currently insufficient to determine the role of this variant in disease. Therefore, it has been classified as a Variant of Uncertain Significance.

Literature cited by the submitters: PubMed 17576681; PubMed 9536098.